The following is an entry in ClinVar:

NM_144997.7(FLCN):c.828_829dup (p.Ala277fs)

Gene: FLCN (folliculin; minus strand). Cytogenetic location: 17p11.2.
Variant type: Duplication.
Coding change: c.828_829dup on transcript NM_144997.7 (MANE Select); coding-DNA positions 828 to 829, 2 bases duplicated (TG; older notation c.828_829dupTG).
Protein change: p.Ala277fs; shifts the reading frame from alanine 277.
Molecular consequence: frameshift variant.
Genome position (GRCh38, 1-based): chr17:17,221,579-17,221,580, CA duplicated on the plus strand (TG on the coding strand, the reverse complement: FLCN is on the minus strand); duplicating any 2 consecutive bases within chr17:17,221,579-17,221,581 gives the same sequence; the c. name uses the placement nearest the transcript's 3' end. VCF-style (leftmost placement, unchanged base first): chr17-17221578-G-GCA. GRCh37 (hg19) VCF-style: chr17-17124892-G-GCA.
Other names: c.828_829dup (LRG_325t1); c.882_883dup, p.Ala295fs (NM_001353229.2); c.828_829dup, p.Ala277fs (NM_001353230.2, NM_001353231.2, NM_144606.7); short protein forms A277fs, A295fs.
Identifiers: ClinVar variation 96490 (VCV000096490.10), dbSNP rs398124539, ClinGen allele CA224178.

ClinVar aggregate classification (germline): Pathogenic. Review status: criteria provided, single submitter (1 of 4 stars). 2 submissions from 2 submitters: Pathogenic (1). 1 of the submissions does not count toward it. Last evaluated 2021-06-01.

Conditions:
Birt-Hogg-Dube syndrome. Also called: Birt Hogg Dubé syndrome. Identifiers: Orphanet 122, MedGen C0346010, MONDO:0800444.

Submissions (2):

Labcorp Genetics (formerly Invitae), Labcorp
Classification: Pathogenic for Birt-Hogg-Dube syndrome. Last evaluated: 2021-06-01. Review status: criteria provided, single submitter. Criteria: Invitae Variant Classification Sherloc (09022015). Collection method: clinical testing. Allele origin: germline.
Comment: For these reasons, this variant has been classified as Pathogenic. Algorithms developed to predict the effect of sequence changes on RNA splicing suggest that this variant may create or strengthen a splice site, but this prediction has not been confirmed by published transcriptional studies. This variant has not been reported in the literature in individuals with FLCN-related conditions. ClinVar contains an entry for this variant (Variation ID: 96490). This variant is not present in population databases (ExAC no frequency). This sequence change creates a premature translational stop signal (p.Ala277Valfs*17) in the FLCN gene. It is expected to result in an absent or disrupted protein product. Loss-of-function variants in FLCN are known to be pathogenic (PMID: 15852235).

Eurofins Ntd Llc (ga)
Classification: Pathogenic. Last evaluated: 2013-07-08. Review status: no assertion criteria provided. Collection method: clinical testing. Allele origin: germline. Observed: 1 variant allele, 1 heterozygote. Not counted in ClinVar's aggregate classification.

Literature cited by the submitters: PubMed 15852235 (cited by Labcorp Genetics (formerly Invitae), Labcorp); PubMed 23757202 (cited by Eurofins Ntd Llc (ga)).